The following is an entry in ClinVar:

ClinVar aggregate classification (germline): Uncertain significance (1 of 4 stars; one submission).

Allele frequency attached by ClinVar (database versions not stated): gnomAD 0.00001; ExAC 0.00002; gnomAD exomes 0.00002; TOPMed 0.00002.
gnomAD v4.1: 11 of 1,612,472 alleles (0.00068%); highest among the groups gnomAD compares: Non-Finnish European, 0.00093%; no homozygotes.

Submission:

Labcorp Genetics (formerly Invitae), Labcorp
Classification: Uncertain significance. Last evaluated: 2024-01-18. Review status: criteria provided, single submitter. Criteria: Invitae Variant Classification Sherloc (09022015). Collection method: clinical testing. Allele origin: germline.
Comment: This sequence change creates a premature translational stop signal (p.Gln382*) in the MAPKAPK3 gene. While this is not anticipated to result in nonsense mediated decay, it is expected to disrupt the last 1 amino acid(s) of the MAPKAPK3 protein. This variant is present in population databases (rs754885308, gnomAD 0.004%). This variant has not been reported in the literature in individuals affected with MAPKAPK3-related conditions. Experimental studies and prediction algorithms are not available or were not evaluated, and the functional significance of this variant is currently unknown. In summary, the available evidence is currently insufficient to determine the role of this variant in disease. Therefore, it has been classified as a Variant of Uncertain Significance.

NM_001243925.2(MAPKAPK3):c.1144C>T (p.Gln382Ter)

Gene: MAPKAPK3 (MAPK activated protein kinase 3; plus strand). Cytogenetic location: 3p21.2.
Variant type: single nucleotide variant.
Coding change: c.1144C>T on transcript NM_001243925.2 (MANE Select); coding-DNA position 1144, C replaced by T.
Protein change: p.Gln382Ter; replaces glutamine 382 with a stop codon.
Molecular consequence: nonsense.
Genome position (GRCh38, 1-based): chr3:50,648,041, C>T. VCF-style: chr3-50648041-C-T. GRCh37 (hg19) VCF-style: chr3-50685472-C-T.
Other names: c.1144C>T, p.Gln382Ter (NM_001243926.2, NM_004635.5); short protein forms Q382*.
Identifiers: ClinVar variation 2721178 (VCV002721178.3), dbSNP rs754885308, ClinGen allele CA2420484.